The following is an entry in ClinVar:

NM_000059.4(BRCA2):c.2119G>A (p.Asp707Asn)

Gene: BRCA2 (BRCA2 DNA repair associated; plus strand). Cytogenetic location: 13q13.1.
Variant type: single nucleotide variant.
Coding change: c.2119G>A on transcript NM_000059.4 (MANE Select); coding-DNA position 2119, G replaced by A.
Protein change: p.Asp707Asn; replaces aspartic acid 707 with asparagine.
Molecular consequence: missense variant.
Genome position (GRCh38, 1-based): chr13:32,336,474, G>A. VCF-style: chr13-32336474-G-A. GRCh37 (hg19) VCF-style: chr13-32910611-G-A.
Other names: short protein forms D707N.
Identifiers: ClinVar variation 918486 (VCV000918486.9), dbSNP rs80358487, ClinGen allele CA6940583.

ClinVar aggregate classification (germline): Conflicting classifications of pathogenicity. Review status: criteria provided, conflicting classifications (1 of 4 stars). 5 submissions from 5 submitters: Uncertain significance (4); Likely benign (1). Last evaluated 2023-12-13.

Conditions:
Hereditary cancer-predisposing syndrome. Also called: Hereditary Cancer Syndrome; Hereditary neoplastic syndrome; Neoplastic Syndromes, Hereditary; Tumor predisposition. Identifiers: Orphanet 140162, MedGen C0027672, MeSH D009386, MONDO:0015356.
Breast-ovarian cancer, familial, susceptibility to, 2 (BROVCA2). Also called: BRCA2 Hereditary Breast and Ovarian Cancer. Identifiers: Orphanet 145, MedGen C2675520, MONDO:0012933, OMIM 612555. Disease mechanism: loss of function.

Allele frequency attached by ClinVar (database versions not stated): gnomAD exomes below 0.00001; ExAC 0.00001; gnomAD 0.00001; 1000 Genomes Project 30x 0.00016; 1000 Genomes Project 0.00020.

Submissions (5):

All of Us Research Program, National Institutes of Health
Classification: Uncertain significance for Breast-ovarian cancer, familial, susceptibility to, 2. Last evaluated: 2023-12-13. Review status: criteria provided, single submitter. Criteria: ACMG Guidelines, 2015. Collection method: clinical testing. Allele origin: germline. Inheritance: Autosomal dominant inheritance. Observed: 1 variant allele, 1 heterozygote.
Comment: This missense variant replaces aspartic acid with asparagine at codon 707 of the BRCA2 protein. Computational prediction suggests that this variant may not impact protein structure and function (internally defined REVEL score threshold <= 0.5, PMID: 27666373). To our knowledge, functional studies have not been reported for this variant. This variant has not been reported in individuals affected with BRCA2-related cancers, but has been reported in an unaffected individual (PMID: 33471991; Leiden Open Variation Database DB-ID BRCA2_000645). This variant has been identified in 1/250876 chromosomes in the general population by the Genome Aggregation Database (gnomAD). The available evidence is insufficient to determine the role of this variant in disease conclusively. Therefore, this variant is classified as a Variant of Uncertain Significance.

This study involves interpretation of variants in research participants for the purpose of population health screening. Participant phenotype was not available at the time of variant classification. Additional details can be found in publication PMID: 35346344, PMCID: PMC8962531

Color Diagnostics, LLC DBA Color Health
Classification: Uncertain significance for Hereditary cancer-predisposing syndrome. Last evaluated: 2023-11-09. Review status: criteria provided, single submitter. Criteria: ACMG Guidelines, 2015. Collection method: clinical testing. Allele origin: germline.
Comment: This missense variant replaces aspartic acid with asparagine at codon 707 of the BRCA2 protein. Computational prediction suggests that this variant may not impact protein structure and function (internally defined REVEL score threshold <= 0.5, PMID: 27666373). To our knowledge, functional studies have not been reported for this variant. This variant has not been reported in individuals affected with BRCA2-related cancers, but has been reported in an unaffected individual (PMID: 33471991; Leiden Open Variation Database DB-ID BRCA2_000645). This variant has been identified in 1/250876 chromosomes in the general population by the Genome Aggregation Database (gnomAD). The available evidence is insufficient to determine the role of this variant in disease conclusively. Therefore, this variant is classified as a Variant of Uncertain Significance.

Ambry Genetics
Classification: Uncertain significance for Hereditary cancer-predisposing syndrome. Last evaluated: 2023-09-23. Review status: criteria provided, single submitter. Criteria: Ambry Variant Classification Scheme 2023. Collection method: clinical testing. Allele origin: germline.
Comment: The p.D707N variant (also known as c.2119G>A), located in coding exon 10 of the BRCA2 gene, results from a G to A substitution at nucleotide position 2119. The aspartic acid at codon 707 is replaced by asparagine, an amino acid with highly similar properties. This amino acid position is not well conserved in available vertebrate species. In addition, this alteration is predicted to be tolerated by in silico analysis. Since supporting evidence is limited at this time, the clinical significance of this alteration remains unclear.

University of Washington Department of Laboratory Medicine, University of Washington
Classification: Likely benign for Hereditary cancer-predisposing syndrome. Last evaluated: 2023-03-23. Review status: criteria provided, single submitter. Criteria: Dines et al. (Genet Med. 2020). Collection method: curation. Allele origin: germline.
Comment: Missense variant in a coldspot region where missense variants are very unlikely to be pathogenic (PMID:31911673).

BRCA2 exon 11 coldspot. Reclassification based on statistical prior probability.

Women's Health and Genetics/Laboratory Corporation of America, LabCorp
Classification: Uncertain significance. Last evaluated: 2021-01-30. Review status: criteria provided, single submitter. Criteria: LabCorp Variant Classification Summary - May 2015. Collection method: clinical testing. Allele origin: germline.
Comment: Variant summary: BRCA2 c.2119G>A (p.Asp707Asn) results in a conservative amino acid change in the encoded protein sequence. Five of five in-silico tools predict a benign effect of the variant on protein function. The variant allele was found at a frequency of 4e-06 in 250876 control chromosomes. The available data on variant occurrences in the general population are insufficient to allow any conclusion about variant significance. To our knowledge, no occurrence of c.2119G>A in individuals affected with Hereditary Breast And Ovarian Cancer Syndrome and no experimental evidence demonstrating its impact on protein function have been reported. One clinical diagnostic laboratory has submitted clinical-significance assessments for this variant to ClinVar after 2014 without evidence for independent evaluation and classified the variant as uncertain significance. Based on the evidence outlined above, the variant was classified as uncertain significance.

Literature cited by the submitters: PubMed 33471991 (cited by All of Us Research Program, National Institutes of Health and Color Diagnostics, LLC DBA Color Health).